The following is an entry in ClinVar:

NM_198859.4(PRICKLE2):c.*4797G>A

Genes: PRICKLE2 (prickle planar cell polarity protein 2; minus strand), PRICKLE2-AS1 (PRICKLE2 antisense RNA 1; plus strand). Cytogenetic location: 3p14.1.
Variant type: single nucleotide variant.
Coding change: c.*4797G>A on transcript NM_198859.4 (MANE Select); 4797 bases downstream of the stop codon, G replaced by A.
Molecular consequence: 3 prime UTR variant.
Genome position (GRCh38, 1-based): chr3:64,094,254, C>T on the plus strand (G>A on the coding strand, the complement: PRICKLE2 is on the minus strand). VCF-style: chr3-64094254-C-T. GRCh37 (hg19) VCF-style: chr3-64079930-C-T.
Other names: c.*4797G>A (NM_001370528.1).
Identifiers: ClinVar variation 346415 (VCV000346415.6), dbSNP rs153733, ClinGen allele CA10619358.

ClinVar aggregate classification (germline): Benign. Review status: criteria provided, multiple submitters, no conflicts (2 of 4 stars). 2 submissions from 2 submitters: Benign (2). Last evaluated 2018-01-12.

Conditions:
Progressive myoclonic epilepsy. Also called: Progressive myoclonus epilepsy; Familial progressive myoclonic epilepsy; Myoclonus epilepsy; Myoclonic Epilepsies, Progressive. Identifiers: Orphanet 308, Orphanet 98261, MedGen C0751778, MONDO:0020074.

Allele frequency attached by ClinVar (database versions not stated): 1000 Genomes Project 0.88099; TOPMed 0.89951; gnomAD 0.90729 and 0.91172; 1000 Genomes Project 30x 0.87633.

Submissions (2):

Illumina Laboratory Services, Illumina
Classification: Benign for Progressive myoclonic epilepsy. Last evaluated: 2018-01-12. Review status: criteria provided, single submitter. Criteria: ICSL Variant Classification Criteria 13 December 2019. Collection method: clinical testing. Allele origin: germline.
Comment: This variant was observed in the ICSL laboratory as part of a predisposition screen in an ostensibly healthy population. It had not been previously curated by ICSL or reported in the Human Gene Mutation Database (HGMD: prior to June 1st, 2018), and was therefore a candidate for classification through an automated scoring system. Utilizing variant allele frequency, disease prevalence and penetrance estimates, and inheritance mode, an automated score was calculated to assess if this variant is too frequent to cause the disease. Based on the score and internal cut-off values, a variant classified as benign is not then subjected to further curation. The score for this variant resulted in a classification of benign for this disease.

Breakthrough Genomics
Classification: Benign. Review status: criteria provided, single submitter. Criteria: ACMG Guidelines, 2015. Collection method: not provided. Allele origin: germline. Inheritance: Unknown mechanism. Affected: yes.